The following is an entry in ClinVar:

NM_007194.4(CHEK2):c.1525C>T (p.Pro509Ser)

Gene: CHEK2 (checkpoint kinase 2; minus strand). Cytogenetic location: 22q12.1.
Variant type: single nucleotide variant.
Coding change: c.1525C>T on transcript NM_007194.4 (MANE Select); coding-DNA position 1525, C replaced by T.
Protein change: p.Pro509Ser; replaces proline 509 with serine.
Molecular consequence: missense variant.
Genome position (GRCh38, 1-based): chr22:28,689,152, G>A on the plus strand (C>T on the coding strand, the complement: CHEK2 is on the minus strand). VCF-style: chr22-28689152-G-A. GRCh37 (hg19) VCF-style: chr22-29085140-G-A.
Other names: p.P509S:CCC>TCC; c.1654C>T, p.Pro552Ser (NM_001005735.3); c.862C>T, p.Pro288Ser (NM_001257387.3); c.1324C>T, p.Pro442Ser (NM_001349956.3); c.1438C>T, p.Pro480Ser (NM_145862.3); short protein forms P509S, P442S, P480S, P288S, P552S.
Identifiers: ClinVar variation 128063 (VCV000128063.76), dbSNP rs587780179, ClinGen allele CA288288.
Genomic context (GRCh38, chr22:28,689,152, plus strand): 5'-TTAAGCCCAGACTACATTTAGTGATCATCAGGAATACGAATACCTGGGCTAGAACCTGGG[G>A]TAGAGCTGTGGATTCATTTTCCTCAGACAGAAGATCTTGAAACTTTCTCTTCATGTCTTC-3'
Protein context (NP_009125.1, residues 499-519): LSEENESTAL[Pro509Ser]QVLAQPSTSR

ClinVar aggregate classification (germline): Conflicting classifications of pathogenicity. Review status: criteria provided, conflicting classifications (1 of 4 stars). 20 submissions from 19 submitters: Uncertain significance (16); Likely benign (3). 1 of the submissions does not count toward it. Last evaluated 2026-09-14.

Conditions:
Li-Fraumeni syndrome (LFS). Also called: Sarcoma family syndrome of Li and Fraumeni. Identifiers: Orphanet 524, MedGen C0085390, MONDO:0018875.
Familial colorectal cancer type X. Identifiers: Orphanet 440437, MedGen C3896578, MONDO:0018604.
Hereditary breast ovarian cancer syndrome. Also called: BRCA1- and BRCA2-Associated Hereditary Breast and Ovarian Cancer; Hereditary breast and ovarian cancer syndrome; Hereditary breast and/or ovarian cancer syndrome; Hereditary breast and ovarian cancer; Hereditary breast and ovarian cancer syndrome (HBOC); Breast and ovarian cancer. Identifiers: Orphanet 145, MedGen C0677776, MeSH D061325, MONDO:0003582. Disease mechanism: loss of function.
CHEK2-related disorder.
Familial cancer of breast. Also called: hereditary breast carcinoma; BREAST CANCER, FAMILIAL; Hereditary breast cancer. Identifiers: Orphanet 227535, MedGen C0346153, MONDO:0016419, OMIM 114480. Disease mechanism: loss of function.
Prostate cancer. Also called: Malignant tumor of prostate. Identifiers: Orphanet 1331, MedGen C0376358, MONDO:0008315, HP:0012125.
Colorectal cancer. Also called: Colorectal cancer, somatic; Malignant Colorectal Neoplasm. Identifiers: MedGen C0346629, MONDO:0005575, OMIM 114500.
Familial ovarian cancer. Identifiers: MedGen C5679802, MONDO:0016248.
Hereditary nonpolyposis colon cancer (HNPCC). Also called: Hereditary nonpolyposis colorectal cancer; Familial nonpolyposis colon cancer; Hereditary Nonpolyposis Colorectal Cancer Syndrome. Identifiers: Orphanet 443909, MedGen C1333990, MONDO:0018630. Disease mechanism: loss of function.
CHEK2-related cancer predisposition (TPDS4). Also called: CHEK2-related cancer susceptibility; TUMOR PREDISPOSITION SYNDROME 4; CANCER PREDISPOSITION SYNDROME, CHEK2-RELATED. Identifiers: Orphanet 524, MedGen C5882668, MONDO:0700271, OMIM 609265.
Bone osteosarcoma. Also called: Osteosarcoma, somatic. Identifiers: Orphanet 668, MedGen C0585442, MONDO:0002629, OMIM 259500.
Familial prostate cancer. Also called: Hereditary Prostate Cancer. Identifiers: MedGen C2931456, MONDO:0700275, OMIM 176807.
Hereditary cancer-predisposing syndrome. Also called: Hereditary neoplastic syndrome; Neoplastic Syndromes, Hereditary; Tumor predisposition; Hereditary Cancer Syndrome. Identifiers: Orphanet 140162, MedGen C0027672, MeSH D009386, MONDO:0015356.

Allele frequency attached by ClinVar (database versions not stated): gnomAD exomes 0.00008 and 0.00010; ExAC 0.00012; TOPMed 0.00012; gnomAD 0.00013 and 0.00014.
gnomAD v4.1: 162 of 1,594,024 alleles (0.01%); highest among the groups gnomAD compares: Non-Finnish European, 0.012%; no homozygotes.

Submissions 1 to 8 of 20:

Hema, HEMA – Genetic and Molecular Diagnostic Laboratory
Classification: Uncertain significance for CHEK2-related cancer predisposition. Last evaluated: 2026-09-14. Review status: criteria provided, single submitter. Criteria: HEMA Variant Classification Assertion Criteria. Collection method: clinical testing. Allele origin: germline.
Comment: The c.1525C>T p.(Pro509Ser) variant is a transition from guanine to adenine, resulting in the substitution of proline 509 with serine in the Chk2 protein. BP4_Moderate: The REVEL computational meta-predictor score = 0.088 ≤ 0.183 indicates that the variant is not likely to have an effect on the Chk2 protein.

PreventionGenetics, part of Exact Sciences
Classification: Uncertain significance for CHEK2-related condition. Last evaluated: 2026-06-27. Review status: criteria provided, single submitter. Criteria: ACMG Guidelines, 2015. Collection method: clinical testing. Allele origin: germline.
Comment: The CHEK2 c.1525C>T variant is predicted to result in the amino acid substitution p.Pro509Ser. This variant is reported in 0.020% of alleles in individuals of European (Finnish) descent in gnomAD and has conflicting interpretations regarding its pathogenicity in ClinVar of uncertain significance and likely benign (Variation ID: 128063). Although we suspect that this variant may be benign, at this time, the clinical significance of this variant is uncertain due to the absence of conclusive functional and genetic evidence.

CeGaT Center for Human Genetics Tuebingen
Classification: Uncertain significance. Last evaluated: 2026-06-01. Review status: criteria provided, single submitter. Criteria: CeGaT Center For Human Genetics Tuebingen Variant Classification Criteria Version 2. Collection method: clinical testing. Allele origin: germline. Affected: yes. Observed: 3 variant alleles.

Labcorp Genetics (formerly Invitae), Labcorp
Classification: Uncertain significance for Familial cancer of breast. Last evaluated: 2026-01-26. Review status: criteria provided, single submitter. Criteria: Invitae Variant Classification Sherloc (09022015). Collection method: clinical testing. Allele origin: germline.
Comment: This sequence change replaces proline, which is neutral and non-polar, with serine, which is neutral and polar, at codon 509 of the CHEK2 protein (p.Pro509Ser). The frequency data for this variant in the population databases is considered unreliable, as metrics indicate poor data quality at this position in the gnomAD database. This missense change has been observed in individual(s) with breast cancer, colorectal cancer, Lynch syndrome, ovarian cancer, prostate cancer, skin cancer, testicular germ cell tumor, and/or uterine cancer (PMID: 18571837, 25980754, 28051113, 29596542, 31050813, 38002677). ClinVar contains an entry for this variant (Variation ID: 128063). An algorithm developed to predict the effect of missense changes on protein structure and function outputs the following: PolyPhen-2: "Benign". The serine amino acid residue is found in multiple mammalian species, which suggests that this missense change does not adversely affect protein function. Experimental studies are conflicting or provide insufficient evidence to determine the effect of this variant on CHEK2 function (PMID: 30851065, 31409080, 37449874). In summary, the available evidence is currently insufficient to determine the role of this variant in disease. Therefore, it has been classified as a Variant of Uncertain Significance.

Women's Health and Genetics/Laboratory Corporation of America, LabCorp
Classification: Uncertain significance. Last evaluated: 2025-06-17. Review status: criteria provided, single submitter. Criteria: LabCorp Variant Classification Summary - May 2015. Collection method: clinical testing. Allele origin: germline.
Comment: Variant summary: CHEK2 c.1525C>T (p.Pro509Ser) results in a non-conservative amino acid change in the encoded protein sequence. Algorithms developed to predict the effect of missense changes on protein structure and function are either unavailable or do not agree on the potential impact of this missense change. The variant allele was found at a frequency of 8.1e-05 in 233628 control chromosomes. This frequency is not significantly higher than estimated for a pathogenic variant in CHEK2 causing Hereditary Breast And Ovarian Cancer Syndrome (8.1e-05 vs 0.00031), allowing no conclusion about variant significance. c.1525C>T has been reported in the literature in individuals affected with breast cancer, prostate cancer, Lynch syndrome, and other cancers (e.g. Castellanos_2015, Lu_2016, Yurgelun_2015, Tischowitz_2008, Nunziato_2022, Vargas-Parra_2020, Boonen_2022), although it has also been reported in healthy individuals (e.g. Kraemer_2019, Boonen_2022, FLOSSIES database). These reports do not provide unequivocal conclusions about association of the variant with Hereditary Breast And Ovarian Cancer Syndrome or other CHEK2-related cancers. Several publications report experimental evidence evaluating an impact on protein function. A yeast-based DNA-damage assay indicated an intermediate functionality for the variant (Delimitsou_2019), whereas studies in Chek2 knockout mouse embryonic stem cells and in human RPE1-CHEK2-knockout cells found no damaging effect of the variant on its ability to phosphorylate its downstream target KAP1 (Boonen_2022, Stolarova_2023). The following publications have been ascertained in the context of this evaluation (PMID: 34903604, 28051113, 30851065, 31422574, 27023146, 36035419, 26644315, 37449874, 18571837, 32906215, 25980754). ClinVar contains an entry for this variant (Variation ID: 128063). Based on the evidence outlined above, the variant was classified as VUS-possibly benign.

Institute for Biomarker Research, Medical Diagnostic Laboratories, L.L.C.
Classification: Uncertain significance for Hereditary cancer-predisposing syndrome. Last evaluated: 2025-06-16. Review status: criteria provided, single submitter. Criteria: ACMG Guidelines, 2015. Collection method: clinical testing. Allele origin: germline.
Comment: The missense variant NM_001005735.2(CHEK2):c.1654C>T (p.Pro552Ser) has not been reported previously as a pathogenic variant nor as a benign variant, to our knowledge. There is a moderate physicochemical difference between proline and serine. The p.Pro552Ser variant is not predicted to disrupt the existing donor splice site 18bp upstream by any splice site algorithm. The p.Pro552Ser missense variant is predicted to be tolerated by both SIFT or PolyPhen2. The serine residue at codon 552 of CHEK2 is present in Squirrel and 4 other mammalian species. For these reasons, this variant has been classified as Uncertain Significance.

Center for Genomic Medicine, Rigshospitalet, Copenhagen University Hospital
Classification: Uncertain significance. Last evaluated: 2025-03-04. Review status: criteria provided, single submitter. Criteria: ACMG Guidelines, 2015. Collection method: clinical testing. Allele origin: germline.

Blueprint Genetics
Classification: Uncertain significance. Last evaluated: 2024-11-05. Review status: criteria provided, single submitter. Criteria: ACMG Guidelines, 2015. Collection method: clinical testing. Allele origin: germline.